The following is an entry in ClinVar:

ClinVar aggregate classification (germline): Uncertain significance (1 of 4 stars; one submission).

Conditions:
Hereditary pancreatitis (PCTT). Also called: Hereditary chronic pancreatitis; PRSS1-Related Hereditary Pancreatitis. Identifiers: Orphanet 676, MedGen C0238339, MONDO:0008185, OMIM 167800.

Submission:

Ambry Genetics
Classification: Uncertain significance for Hereditary pancreatitis. Last evaluated: 2025-10-25. Review status: criteria provided, single submitter. Criteria: Ambry Variant Classification Scheme 2023. Collection method: clinical testing. Allele origin: germline.
Comment: The p.N166K variant (also known as c.498C>A), located in coding exon 6 of the CTRC gene, results from a C to A substitution at nucleotide position 498. The asparagine at codon 166 is replaced by lysine, an amino acid with similar properties. This amino acid position is conserved. In addition, this alteration is predicted to be tolerated by in silico analysis. Since supporting evidence is limited at this time, the clinical significance of this alteration remains unclear.

NM_007272.3(CTRC):c.498C>A (p.Asn166Lys)

Gene: CTRC (chymotrypsin C; plus strand). Cytogenetic location: 1p36.21.
Variant type: single nucleotide variant.
Coding change: c.498C>A on transcript NM_007272.3 (MANE Select); coding-DNA position 498, C replaced by A.
Protein change: p.Asn166Lys; replaces asparagine 166 with lysine.
Molecular consequence: missense variant.
Genome position (GRCh38, 1-based): chr1:15,444,610, C>A. VCF-style: chr1-15444610-C-A. GRCh37 (hg19) VCF-style: chr1-15771105-C-A.
Other names: short protein forms N166K.
Identifiers: ClinVar variation 3226074 (VCV003226074.2), dbSNP rs1323439337, ClinGen allele CA338566889.